The following is an entry in ClinVar:

NM_004974.4(KCNA2):c.574A>T (p.Asn192Tyr)

Gene: KCNA2 (potassium voltage-gated channel subfamily A member 2; minus strand). Cytogenetic location: 1p13.3.
Variant type: single nucleotide variant.
Coding change: c.574A>T on transcript NM_004974.4 (MANE Select); coding-DNA position 574, A replaced by T.
Protein change: p.Asn192Tyr; replaces asparagine 192 with tyrosine.
Molecular consequence: missense variant.
Genome position (GRCh38, 1-based): chr1:110,604,209, T>A on the plus strand (A>T on the coding strand, the complement: KCNA2 is on the minus strand). VCF-style: chr1-110604209-T-A. GRCh37 (hg19) VCF-style: chr1-111146831-T-A.
Other names: c.574A>T, p.Asn192Tyr (NM_001204269.2); short protein forms N192Y.
Identifiers: ClinVar variation 1712650 (VCV001712650.2), dbSNP rs2524620590, ClinGen allele CA341603692.

ClinVar aggregate classification (germline): Uncertain significance (1 of 4 stars; one submission).

gnomAD v4.1: 1 of 1,614,160 alleles (0.000062%); highest among the groups gnomAD compares: Non-Finnish European, 0.000085%; no homozygotes.

Submission:

GeneDx
Classification: Uncertain significance. Last evaluated: 2022-04-25. Review status: criteria provided, single submitter. Criteria: GeneDx Variant Classification Process June 2021. Collection method: clinical testing. Allele origin: germline. Affected: yes.
Comment: Not observed at significant frequency in large population cohorts (gnomAD); In silico analysis supports that this missense variant does not alter protein structure/function; Has not been previously published as pathogenic or benign to our knowledge